The following is an entry in ClinVar:

ClinVar aggregate classification (germline): Conflicting classifications of pathogenicity. Review status: criteria provided, conflicting classifications (1 of 4 stars). 2 submissions from 2 submitters: Pathogenic (1); Uncertain significance (1). Last evaluated 2024-04-24.

Conditions:
Familial thoracic aortic aneurysm and aortic dissection (TAAD). Also called: Thoracic aortic aneurysms and dissections. Identifiers: Orphanet 91387, MedGen C4707243, MONDO:0019625.
Aortic aneurysm, familial thoracic 4 (AAT4). Also called: AORTIC ANEURYSM/AORTIC DISSECTION AND PATENT DUCTUS ARTERIOSUS. Identifiers: MedGen C1851504, MONDO:0007568, OMIM 132900.

Submissions (2):

Labcorp Genetics (formerly Invitae), Labcorp
Classification: Pathogenic for Aortic aneurysm, familial thoracic 4. Last evaluated: 2024-04-24. Review status: criteria provided, single submitter. Criteria: Invitae Variant Classification Sherloc (09022015). Collection method: clinical testing. Allele origin: germline.
Comment: This sequence change creates a premature translational stop signal (p.Lys1309Argfs*156) in the MYH11 gene. It is expected to result in an absent or disrupted protein product. Loss-of-function variants in MYH11 are known to be pathogenic (PMID: 25407000, 29575632). This variant is not present in population databases (gnomAD no frequency). This variant has not been reported in the literature in individuals affected with MYH11-related conditions. For these reasons, this variant has been classified as Pathogenic.

All of Us Research Program, National Institutes of Health
Classification: Uncertain significance for Familial thoracic aortic aneurysm and aortic dissection. Last evaluated: 2023-04-03. Review status: criteria provided, single submitter. Criteria: ACMG Guidelines, 2015. Collection method: clinical testing. Allele origin: germline. Inheritance: Autosomal dominant inheritance. Observed: 1 variant allele, 1 heterozygote.
Comment: This variant deletes 1 nucleotide in exon 30 of the MYH11 gene, creating a frameshift and premature translation stop signal. This variant is expected to result in an absent or non-functional protein product. To our knowledge, this variant has not been reported in individuals affected with cardiovascular disorders in the literature. This variant has not been identified in the general population by the Genome Aggregation Database (gnomAD). Clinical relevance of loss-of-function truncation and splice variants in the MYH11 gene is not clearly established. The available evidence is insufficient to determine the role of this variant in disease conclusively. Therefore, this variant is classified as a Variant of Uncertain Significance.

This study involves interpretation of variants in research participants for the purpose of population health screening. Participant phenotype was not available at the time of variant classification. Additional details can be found in publication PMID: 35346344, PMCID: PMC8962531

Literature cited by the submitters: PubMed 25407000 (cited by Labcorp Genetics (formerly Invitae), Labcorp); PubMed 29575632 (cited by Labcorp Genetics (formerly Invitae), Labcorp).

NM_002474.3(MYH11):c.3905del (p.Lys1302fs)

Genes: NDE1 (nudE neurodevelopment protein 1; plus strand), MYH11 (myosin heavy chain 11; minus strand). Cytogenetic location: 16p13.11.
Variant type: Deletion.
Coding change: c.3905del on transcript NM_002474.3 (MANE Select); coding-DNA position 3905, one base deleted (A; older notation c.3905delA).
Protein change: p.Lys1302fs; shifts the reading frame from lysine 1302.
Molecular consequence: frameshift variant. On other transcripts: 3 prime UTR variant (2).
Genome position (GRCh38, 1-based): chr16:15,724,946, T deleted on the plus strand (A on the coding strand, the reverse complement: MYH11 is on the minus strand); the first of 2 consecutive T bases (chr16:15,724,946-15,724,947); deleting either gives the same sequence. VCF-style (leftmost placement, unchanged base first): chr16-15724945-CT-C. GRCh37 (hg19) VCF-style: chr16-15818802-CT-C.
Other names: c.3926del, p.Lys1309fs (NM_001040113.2, NM_001040114.2); c.3905del, p.Lys1302fs (NM_022844.3); c.*696del (NM_001143979.2, NM_017668.3); short protein forms K1302fs, K1309fs.
Identifiers: ClinVar variation 3070056 (VCV003070056.3), dbSNP rs2506145287, ClinGen allele CA2580610681.